The following is an entry in ClinVar:

ClinVar aggregate classification (germline): Benign/Likely benign. Review status: criteria provided, multiple submitters, no conflicts (2 of 4 stars). 4 submissions from 4 submitters: Benign (1); Likely benign (2). 1 of the submissions does not count toward it. Last evaluated 2026-03-01.

Conditions:
ITPR3-related disorder. Also called: ITPR3-related condition.

Allele frequency attached by ClinVar (database versions not stated): 1000 Genomes Project 30x 0.00094; 1000 Genomes Project 0.00100; TOPMed 0.00132; gnomAD 0.00145 and 0.00147; gnomAD exomes 0.00158; ExAC 0.00163; ESP Exome Variant Server 0.00177.
gnomAD v4.1: 3,320 of 1,613,518 alleles (0.21%); highest among the groups gnomAD compares: Non-Finnish European, 0.26%; 2 homozygotes.

Submissions (4):

CeGaT Center for Human Genetics Tuebingen
Classification: Likely benign. Last evaluated: 2026-03-01. Review status: criteria provided, single submitter. Criteria: CeGaT Center For Human Genetics Tuebingen Variant Classification Criteria Version 2. Collection method: clinical testing. Allele origin: germline. Affected: yes. Observed: 5 variant alleles.
Comment: ITPR3: BP4, BP7, BS1

Blueprint Genetics
Classification: Likely benign. Last evaluated: 2024-11-08. Review status: criteria provided, single submitter. Criteria: ACMG Guidelines, 2015. Collection method: clinical testing. Allele origin: germline.

Labcorp Genetics (formerly Invitae), Labcorp
Classification: Benign. Last evaluated: 2019-12-31. Review status: criteria provided, single submitter. Criteria: Invitae Variant Classification Sherloc (09022015). Collection method: clinical testing. Allele origin: germline.

PreventionGenetics, part of Exact Sciences
Classification: Likely benign for ITPR3-related condition. Last evaluated: 2019-05-24. Review status: no assertion criteria provided. Collection method: clinical testing. Allele origin: germline. Not counted in ClinVar's aggregate classification.
Comment: This variant is classified as likely benign based on ACMG/AMP sequence variant interpretation guidelines (Richards et al. 2015 PMID: 25741868, with internal and published modifications).

NM_002224.4(ITPR3):c.4317G>A (p.Thr1439=)

Gene: ITPR3 (inositol 1,4,5-trisphosphate receptor type 3; plus strand). Cytogenetic location: 6p21.31.
Variant type: single nucleotide variant.
Coding change: c.4317G>A on transcript NM_002224.4 (MANE Select); coding-DNA position 4317, G replaced by A.
Protein change: p.Thr1439=; no amino-acid change (threonine 1439 retained).
Molecular consequence: synonymous variant.
Genome position (GRCh38, 1-based): chr6:33,680,421, G>A. VCF-style: chr6-33680421-G-A. GRCh37 (hg19) VCF-style: chr6-33648198-G-A.
Identifiers: ClinVar variation 733139 (VCV000733139.30), dbSNP rs148020704, ClinGen allele CA3761197.